The following is an entry in ClinVar:

NM_001267550.2(TTN):c.1363A>G (p.Thr455Ala)

Gene: TTN (titin; minus strand). Cytogenetic location: 2q31.2.
Variant type: single nucleotide variant.
Coding change: c.1363A>G on transcript NM_001267550.2 (MANE Select); coding-DNA position 1363, A replaced by G.
Protein change: p.Thr455Ala; replaces threonine 455 with alanine.
Molecular consequence: missense variant.
Genome position (GRCh38, 1-based): chr2:178,794,434, T>C on the plus strand (A>G on the coding strand, the complement: TTN is on the minus strand). VCF-style: chr2-178794434-T-C. GRCh37 (hg19) VCF-style: chr2-179659161-T-C.
Other names: c.1363A>G, p.Thr455Ala (NM_001256850.1, NM_003319.4, NM_133378.4 and 3 more transcripts); short protein forms T455A.
Identifiers: ClinVar variation 4958845 (VCV004958845.2).

ClinVar aggregate classification (germline): Uncertain significance. Review status: criteria provided, multiple submitters, no conflicts (2 of 4 stars). 2 submissions from 2 submitters: Uncertain significance (2). Last evaluated 2025-07-22.

Conditions:
TTN-related disorder. Also called: TTN-related disorders; TTN-related condition; TTN-related disease.

gnomAD v4.1: 11 of 1,614,080 alleles (0.00068%); highest among the groups gnomAD compares: Admixed American, 0.0033%; no homozygotes.

Submissions (2):

PreventionGenetics, part of Exact Sciences
Classification: Uncertain significance for TTN-related condition. Last evaluated: 2025-07-22. Review status: criteria provided, single submitter. Criteria: ACMG Guidelines, 2015. Collection method: clinical testing. Allele origin: germline.
Comment: The TTN c.1363A>G variant is predicted to result in the amino acid substitution p.Thr455Ala. To our knowledge, this variant has not been reported in the literature. This variant is reported in 0.0018% of alleles in individuals of European (Non-Finnish) descent in gnomAD. At this time, the clinical significance of this variant is uncertain due to the absence of conclusive functional and genetic evidence.

Blueprint Genetics
Classification: Uncertain significance. Last evaluated: 2023-07-12. Review status: criteria provided, single submitter. Criteria: ACMG Guidelines, 2015. Collection method: clinical testing. Allele origin: germline.